The following is an entry in ClinVar:

ClinVar aggregate classification (germline): Uncertain significance. Review status: criteria provided, multiple submitters, no conflicts (2 of 4 stars). 4 submissions from 4 submitters: Uncertain significance (2). 2 of the submissions do not count toward it. Last evaluated 2025-01-17.

Conditions:
Developmental and epileptic encephalopathy, 62. Also called: Early infantile epileptic encephalopathy 62. Identifiers: MedGen C4693699, MONDO:0033371, OMIM 617938.

Allele frequency attached by ClinVar (database versions not stated): TOPMed 0.00001; ExAC 0.00002; gnomAD 0.00002; 1000 Genomes Project 30x 0.00016; 1000 Genomes Project 0.00020.

Submissions (4):

Labcorp Genetics (formerly Invitae), Labcorp
Classification: Uncertain significance. Last evaluated: 2025-01-17. Review status: criteria provided, single submitter. Criteria: Invitae Variant Classification Sherloc (09022015). Collection method: clinical testing. Allele origin: germline.
Comment: This sequence change replaces asparagine, which is neutral and polar, with threonine, which is neutral and polar, at codon 1676 of the SCN3A protein (p.Asn1676Thr). This variant is present in population databases (rs550328522, gnomAD 0.02%). This variant has not been reported in the literature in individuals affected with SCN3A-related conditions. ClinVar contains an entry for this variant (Variation ID: 2147107). Invitae Evidence Modeling of protein sequence and biophysical properties (such as structural, functional, and spatial information, amino acid conservation, physicochemical variation, residue mobility, and thermodynamic stability) has been performed for this missense variant. However, the output from this modeling did not meet the statistical confidence thresholds required to predict the impact of this variant on SCN3A protein function. In summary, the available evidence is currently insufficient to determine the role of this variant in disease. Therefore, it has been classified as a Variant of Uncertain Significance.

Revvity Omics, Revvity
Classification: Uncertain significance. Last evaluated: 2022-11-15. Review status: criteria provided, single submitter. Criteria: ACMG Guidelines, 2015. Collection method: clinical testing. Allele origin: germline.

Genetics and Genomic Medicine Centre, NeuroGen Healthcare, NeuroGen Healthcare
Classification: Uncertain significance. Last evaluated: 2021-11-26. Review status: no assertion criteria provided. Collection method: clinical testing. Allele origin: unknown. Affected: yes. Not counted in ClinVar's aggregate classification.

Clinical Genomics Laboratory, Stanford Medicine
Classification: Uncertain significance for Developmental and epileptic encephalopathy, 62. Last evaluated: 2021-08-02. Review status: no assertion criteria provided. Collection method: clinical testing. Allele origin: germline. Inheritance: Autosomal dominant inheritance. Affected: yes. Observed: 1 heterozygote. Not counted in ClinVar's aggregate classification.
Comment: The p.Asn1676Thr variant in the SCN3A gene has not been previously reported in association with disease. This variant has been identified in 6/30616 South Asian chromosomes by the Genome Aggregation Database. The SCN3A gene has fewer missense variants in the general population than expected. A low rate of missense variation may suggest that this gene is intolerant to missense variation. Computational tools predict that this variant is deleterious; however, the accuracy of in silico algorithms is limited. These data were assessed using the ACMG/AMP variant interpretation guidelines. In summary, the significance of the p.Asn1676Thr variant is uncertain. Additional information is needed to resolve the significance of this variant. [ACMG evidence codes used: PP2; PP3]

NM_006922.4(SCN3A):c.5027A>C (p.Asn1676Thr)

Gene: SCN3A (sodium voltage-gated channel alpha subunit 3; minus strand). Cytogenetic location: 2q24.3.
Variant type: single nucleotide variant.
Coding change: c.5027A>C on transcript NM_006922.4 (MANE Select); coding-DNA position 5027, A replaced by C.
Protein change: p.Asn1676Thr; replaces asparagine 1676 with threonine.
Molecular consequence: missense variant.
Genome position (GRCh38, 1-based): chr2:165,091,126, T>G on the plus strand (A>C on the coding strand, the complement: SCN3A is on the minus strand). VCF-style: chr2-165091126-T-G. GRCh37 (hg19) VCF-style: chr2-165947636-T-G.
Other names: p.Asn1676Thr; c.5027A>C (NM_006922.3); c.4880A>C, p.Asn1627Thr (NM_001081676.2, NM_001081677.2); short protein forms N1676T, N1627T.
Identifiers: ClinVar variation 2147107 (VCV002147107.10), dbSNP rs550328522, ClinGen allele CA1938456.